The following is an entry in ClinVar:

ClinVar aggregate classification (germline): Uncertain significance (1 of 4 stars; one submission).

Submission:

GeneDx
Classification: Uncertain significance. Last evaluated: 2022-04-18. Review status: criteria provided, single submitter. Criteria: GeneDx Variant Classification Process June 2021. Collection method: clinical testing. Allele origin: germline. Affected: yes.
Comment: Not observed at significant frequency in large population cohorts (gnomAD); In silico analysis supports that this missense variant has a deleterious effect on protein structure/function; Has not been previously published as pathogenic or benign to our knowledge

NM_152296.5(ATP1A3):c.1103C>G (p.Thr368Arg)

Gene: ATP1A3 (ATPase Na+/K+ transporting subunit alpha 3; minus strand). Cytogenetic location: 19q13.2.
Variant type: single nucleotide variant.
Coding change: c.1103C>G on transcript NM_152296.5 (MANE Select); coding-DNA position 1103, C replaced by G.
Protein change: p.Thr368Arg; replaces threonine 368 with arginine.
Molecular consequence: missense variant.
Genome position (GRCh38, 1-based): chr19:41,981,997, G>C on the plus strand (C>G on the coding strand, the complement: ATP1A3 is on the minus strand). VCF-style: chr19-41981997-G-C. GRCh37 (hg19) VCF-style: chr19-42486149-G-C.
Other names: c.1136C>G, p.Thr379Arg (NM_001256213.2); c.1142C>G, p.Thr381Arg (NM_001256214.2); short protein forms T368R, T379R, T381R.
Identifiers: ClinVar variation 1712144 (VCV001712144.2), dbSNP rs1599719492, ClinGen allele CA406051128.